The following is an entry in ClinVar:

ClinVar aggregate classification (germline): Likely benign. Review status: criteria provided, multiple submitters, no conflicts (2 of 4 stars). 2 submissions from 2 submitters: Likely benign (2). Last evaluated 2024-02-07.

Conditions:
Hereditary hyperferritinemia with congenital cataracts. Also called: HYPERFERRITINEMIA WITH OR WITHOUT CATARACT; Hereditary hyperferritinemia cataract syndrome; Bonneau-Beaumont syndrome. Identifiers: Orphanet 163, MedGen C1833213, MONDO:0010952, OMIM 600886.
Neuroferritinopathy (NBIA3). Also called: NEURODEGENERATION WITH BRAIN IRON ACCUMULATION 3; BASAL GANGLIA DISEASE, ADULT-ONSET. Identifiers: Orphanet 157846, MedGen C1853578, MONDO:0011638, OMIM 606159.

Allele frequency attached by ClinVar (database versions not stated): ExAC 0.00001; gnomAD exomes 0.00001.
gnomAD v4.1: 3 of 1,613,984 alleles (0.00019%); highest among the groups gnomAD compares: Admixed American, 0.0033%; no homozygotes.

Submissions (2):

Women's Health and Genetics/Laboratory Corporation of America, LabCorp
Classification: Likely benign. Last evaluated: 2024-02-07. Review status: criteria provided, single submitter. Criteria: LabCorp Variant Classification Summary - May 2015. Collection method: clinical testing. Allele origin: germline.
Comment: Variant summary: FTL c.376-15C>T alters a non-conserved nucleotide located at a position not widely known to affect splicing. The variant allele was found at a frequency of 8e-06 in 250136 control chromosomes (gnomAD). The available data on variant occurrences in the general population are insufficient to allow any conclusion about variant significance. To our knowledge, no occurrence of c.376-15C>T in individuals affected with L-Ferritin Deficiency and no experimental evidence demonstrating its impact on protein function have been reported. No submitters have cited clinical-significance assessments for this variant to ClinVar. Based on the evidence outlined above, the variant was classified as likely benign.

Labcorp Genetics (formerly Invitae), Labcorp
Classification: Likely benign for Neuroferritinopathy; Hereditary hyperferritinemia with congenital cataracts. Last evaluated: 2023-11-28. Review status: criteria provided, single submitter. Criteria: Invitae Variant Classification Sherloc (09022015). Collection method: clinical testing. Allele origin: germline.

NM_000146.4(FTL):c.376-15C>T

Gene: FTL (ferritin light chain; plus strand). Cytogenetic location: 19q13.33.
Variant type: single nucleotide variant.
Coding change: c.376-15C>T on transcript NM_000146.4 (MANE Select); 15 bases into the intron before coding-DNA position 376, C replaced by T.
Molecular consequence: intron variant.
Genome position (GRCh38, 1-based): chr19:48,966,568, C>T. VCF-style: chr19-48966568-C-T. GRCh37 (hg19) VCF-style: chr19-49469825-C-T.
Identifiers: ClinVar variation 2934959 (VCV002934959.5), dbSNP rs771797142, ClinGen allele CA9562566.